The following is an entry in ClinVar:

NM_001384474.1(LOXHD1):c.6340G>A (p.Val2114Met)

Gene: LOXHD1 (lipoxygenase homology PLAT domains 1; minus strand). Cytogenetic location: 18q21.1.
Variant type: single nucleotide variant.
Coding change: c.6340G>A on transcript NM_001384474.1 (MANE Select); coding-DNA position 6340, G replaced by A.
Protein change: p.Val2114Met; replaces valine 2114 with methionine.
Molecular consequence: missense variant.
Genome position (GRCh38, 1-based): chr18:46,483,588, C>T on the plus strand (G>A on the coding strand, the complement: LOXHD1 is on the minus strand). VCF-style: chr18-46483588-C-T. GRCh37 (hg19) VCF-style: chr18-44063551-C-T.
Other names: c.3007G>A, p.Val1003Met (NM_001145472.3); c.1057G>A, p.Val353Met (NM_001145473.3, NM_001173129.2); c.2719G>A, p.Val907Met (NM_001308013.2); c.6154G>A, p.Val2052Met (NM_144612.7); short protein forms V2052M, V907M, V1003M, V353M, V2114M.
Identifiers: ClinVar variation 666854 (VCV000666854.8), dbSNP rs1336623338, ClinGen allele CA402365831.

ClinVar aggregate classification (germline): Uncertain significance. Review status: criteria provided, multiple submitters, no conflicts (2 of 4 stars). 2 submissions from 2 submitters: Uncertain significance (2). Last evaluated 2025-09-09.

Conditions:
Inborn genetic diseases. Identifiers: MedGen C0950123, MeSH D030342.

Allele frequency attached by ClinVar (database versions not stated): TOPMed below 0.00001; gnomAD 0.00001; gnomAD exomes 0.00001 and 0.00003.
gnomAD v4.1: 36 of 1,551,476 alleles (0.0023%); highest among the groups gnomAD compares: Non-Finnish European, 0.003%; no homozygotes.

Submissions (2):

Ambry Genetics
Classification: Uncertain significance for Inborn genetic diseases. Last evaluated: 2025-09-09. Review status: criteria provided, single submitter. Criteria: Ambry Variant Classification Scheme 2023. Collection method: clinical testing. Allele origin: germline.

Laboratory for Molecular Medicine, Mass General Brigham Personalized Medicine
Classification: Uncertain significance. Last evaluated: 2019-02-28. Review status: criteria provided, single submitter. Criteria: LMM Criteria. Collection method: clinical testing. Allele origin: germline. Observed: 1 variant allele.
Comment: The p.Val2052Met variant in LOXHD1 has not been previously reported in individuals with hearing loss but has been identified in 0.0006% (1/156296) of the total chromosomes by gnomAD. Computational prediction tools and conservation analysis do not provide strong support for or against an impact of the missense variant to the protein. This variant is located in the last three bases of the exon, which is part of the 5â€™ splice region. Computational tools suggest a splicing impact, though this information is not predictive enough to determine pathogenicity. In summary, the clinical significance of this variant is uncertain. ACMG/AMP Criteria applied: PM2, PP3.